The following is an entry in ClinVar:

ClinVar aggregate classification (germline): Conflicting classifications of pathogenicity. Review status: criteria provided, conflicting classifications (1 of 4 stars). 3 submissions from 3 submitters: Uncertain significance (1); Likely benign (1). 1 of the submissions does not count toward it. Last evaluated 2025-05-02.

Conditions:
Hereditary cancer-predisposing syndrome. Also called: Neoplastic Syndromes, Hereditary; Hereditary Cancer Syndrome; Hereditary neoplastic syndrome; Tumor predisposition. Identifiers: Orphanet 140162, MedGen C0027672, MeSH D009386, MONDO:0015356.
Ataxia-telangiectasia syndrome (AT). Also called: ATAXIA-TELANGIECTASIA, COMPLEMENTATION GROUP A; ATAXIA-TELANGIECTASIA, FRESNO VARIANT; Ataxia-telangiectasia, complementation group E; Ataxia telangiectasia (A-T); LOUIS-BAR SYNDROME; Cerebello-oculocutaneous telangiectasia. Identifiers: Orphanet 100, MedGen C0004135, MONDO:0008840, OMIM 208900.

Submissions (3):

Ambry Genetics
Classification: Likely benign for Hereditary cancer-predisposing syndrome. Last evaluated: 2025-05-02. Review status: criteria provided, single submitter. Criteria: Ambry Variant Classification Scheme 2023. Collection method: clinical testing. Allele origin: germline.

Labcorp Genetics (formerly Invitae), Labcorp
Classification: Uncertain significance for Ataxia-telangiectasia syndrome. Last evaluated: 2024-01-17. Review status: criteria provided, single submitter. Criteria: Invitae Variant Classification Sherloc (09022015). Collection method: clinical testing. Allele origin: germline.
Comment: This sequence change replaces glutamine, which is neutral and polar, with arginine, which is basic and polar, at codon 1906 of the ATM protein (p.Gln1906Arg). This variant is not present in population databases (gnomAD no frequency). This variant has not been reported in the literature in individuals affected with ATM-related conditions. ClinVar contains an entry for this variant (Variation ID: 825918). Algorithms developed to predict the effect of missense changes on protein structure and function output the following: SIFT: "Not Available"; PolyPhen-2: "Benign"; Align-GVGD: "Not Available". The arginine amino acid residue is found in multiple mammalian species, which suggests that this missense change does not adversely affect protein function. In summary, the available evidence is currently insufficient to determine the role of this variant in disease. Therefore, it has been classified as a Variant of Uncertain Significance.

Natera, Inc.
Classification: Uncertain significance for Ataxia-telangiectasia. Last evaluated: 2020-09-10. Review status: no assertion criteria provided. Collection method: clinical testing. Allele origin: germline. Not counted in ClinVar's aggregate classification.

NM_000051.4(ATM):c.5717A>G (p.Gln1906Arg)

Gene: ATM (ATM serine/threonine kinase; plus strand). Cytogenetic location: 11q22.3.
Variant type: single nucleotide variant.
Coding change: c.5717A>G on transcript NM_000051.4 (MANE Select); coding-DNA position 5717, A replaced by G.
Protein change: p.Gln1906Arg; replaces glutamine 1906 with arginine.
Molecular consequence: missense variant.
Genome position (GRCh38, 1-based): chr11:108,307,939, A>G. VCF-style: chr11-108307939-A-G. GRCh37 (hg19) VCF-style: chr11-108178666-A-G.
Other names: c.5717A>G, p.Gln1906Arg (NM_001351834.2); short protein forms Q1906R.
Identifiers: ClinVar variation 825918 (VCV000825918.14), dbSNP rs1591732095, ClinGen allele CA382547916.
Genomic context (GRCh38, chr11:108,307,939, plus strand): 5'-GATATTTTTGTTTGTCAGAGTCAGAGCACTTTTTCCGATGCTGTTTGGATAAAAAATCAC[A>G]AAGAACAATGCTTGCTGTTGTGGACTACATGAGAAGACAAAAGAGGTAATGTAATGAGTG-3'
Protein context (NP_000042.3, residues 1896-1916): FFRCCLDKKS[Gln1906Arg]RTMLAVVDYM